The following is an entry in ClinVar:

ClinVar aggregate classification (germline): Uncertain significance (1 of 4 stars; one submission).

Conditions:
Inborn genetic diseases. Identifiers: MedGen C0950123, MeSH D030342.

gnomAD v4.1: 1 of 1,614,096 alleles (0.000062%); highest among the groups gnomAD compares: South Asian, 0.0011%; no homozygotes.

Submission:

Ambry Genetics
Classification: Uncertain significance for Inborn genetic diseases. Last evaluated: 2025-02-02. Review status: criteria provided, single submitter. Criteria: Ambry Variant Classification Scheme 2023. Collection method: clinical testing. Allele origin: germline.
Comment: The p.L446M variant (also known as c.1336C>A), located in coding exon 14 of the FANCA gene, results from a C to A substitution at nucleotide position 1336. The leucine at codon 446 is replaced by methionine, an amino acid with highly similar properties. This amino acid position is conserved. In addition, this alteration is predicted to be tolerated by in silico analysis. Based on the available evidence, the clinical significance of this variant remains unclear.

NM_000135.4(FANCA):c.1336C>A (p.Leu446Met)

Gene: FANCA (FA complementation group A; minus strand). Cytogenetic location: 16q24.3.
Variant type: single nucleotide variant.
Coding change: c.1336C>A on transcript NM_000135.4 (MANE Select); coding-DNA position 1336, C replaced by A.
Protein change: p.Leu446Met; replaces leucine 446 with methionine.
Molecular consequence: missense variant.
Genome position (GRCh38, 1-based): chr16:89,791,426, G>T on the plus strand (C>A on the coding strand, the complement: FANCA is on the minus strand). VCF-style: chr16-89791426-G-T. GRCh37 (hg19) VCF-style: chr16-89857834-G-T.
Other names: c.1336C>A, p.Leu446Met (NM_001286167.3); short protein forms L446M.
Identifiers: ClinVar variation 3848169 (VCV003848169.1).